The following is an entry in ClinVar:

NM_031372.4(HNRNPDL):c.338del (p.Pro113fs)

Gene: HNRNPDL (heterogeneous nuclear ribonucleoprotein D like; minus strand). Cytogenetic location: 4q21.22.
Variant type: Deletion.
Coding change: c.338del on transcript NM_031372.4 (MANE Select); coding-DNA position 338, one base deleted (C; older notation c.338delC).
Protein change: p.Pro113fs; shifts the reading frame from proline 113.
Molecular consequence: frameshift variant. On other transcripts: non-coding transcript variant (1).
Genome position (GRCh38, 1-based): chr4:82,429,353, G deleted on the plus strand (C on the coding strand, the reverse complement: HNRNPDL is on the minus strand); the first of 6 consecutive G bases (chr4:82,429,353-82,429,358); deleting any one gives the same sequence. VCF-style (leftmost placement, unchanged base first): chr4-82429352-AG-A. GRCh37 (hg19) VCF-style: chr4-83350505-AG-A.
Other names: c.338del, p.Pro113fs (NM_001207000.1); short protein forms P113fs.
Identifiers: ClinVar variation 2153963 (VCV002153963.6), dbSNP rs763550244, ClinGen allele CA440230794.

ClinVar aggregate classification (germline): Uncertain significance. Review status: criteria provided, multiple submitters, no conflicts (2 of 4 stars). 2 submissions from 2 submitters: Uncertain significance (2). Last evaluated 2025-10-02.

Conditions:
Autosomal dominant limb-girdle muscular dystrophy type 1G (LGMDD3). Also called: MUSCULAR DYSTROPHY, LIMB-GIRDLE, AUTOSOMAL DOMINANT 3; Limb-girdle muscular dystrophy, type 1G. Identifiers: Orphanet 55596, MedGen C1836765, MONDO:0012193, OMIM 609115.

Submissions (2):

Labcorp Genetics (formerly Invitae), Labcorp
Classification: Uncertain significance for Autosomal dominant limb-girdle muscular dystrophy type 1G. Last evaluated: 2025-10-02. Review status: criteria provided, single submitter. Criteria: Invitae Variant Classification Sherloc (09022015). Collection method: clinical testing. Allele origin: germline.
Comment: This sequence change creates a premature translational stop signal (p.Pro113Leufs*11) in the HNRNPDL gene. It is expected to result in an absent or disrupted protein product. However, the current clinical and genetic evidence is not sufficient to establish whether loss-of-function variants in HNRNPDL cause disease. This variant is not present in population databases (gnomAD no frequency). This variant has not been reported in the literature in individuals affected with HNRNPDL-related conditions. ClinVar contains an entry for this variant (Variation ID: 2153963). In summary, the available evidence is currently insufficient to determine the role of this variant in disease. Therefore, it has been classified as a Variant of Uncertain Significance.

Juno Genomics, Hangzhou Juno Genomics, Inc
Classification: Uncertain significance for Autosomal dominant limb-girdle muscular dystrophy type 1G. Review status: criteria provided, single submitter. Criteria: ACMG Guidelines, 2015. Collection method: clinical testing. Allele origin: germline.
Comment: Absent from controls (or at extremely low frequency if recessive) in Genome Aggregation Database.